The following is an entry in ClinVar:

ClinVar aggregate classification (germline): Likely benign. Review status: criteria provided, single submitter (1 of 4 stars). 2 submissions from 2 submitters: Likely benign (1). 1 of the submissions does not count toward it. Last evaluated 2024-06-10.

Conditions:
LEPR-related disorder. Also called: LEPR-related condition; LEPR-related disorders.

Allele frequency attached by ClinVar (database versions not stated): ExAC 0.00002; gnomAD 0.00005; gnomAD exomes 0.00007; TOPMed 0.00008.
gnomAD v4.1: 110 of 1,613,962 alleles (0.0068%); highest among the groups gnomAD compares: Non-Finnish European, 0.0084%; no homozygotes.

Submissions (2):

Labcorp Genetics (formerly Invitae), Labcorp
Classification: Likely benign. Last evaluated: 2024-06-10. Review status: criteria provided, single submitter. Criteria: Invitae Variant Classification Sherloc (09022015). Collection method: clinical testing. Allele origin: germline.

PreventionGenetics, part of Exact Sciences
Classification: Likely benign for LEPR-related condition. Last evaluated: 2020-12-31. Review status: no assertion criteria provided. Collection method: clinical testing. Allele origin: germline. Not counted in ClinVar's aggregate classification.
Comment: This variant is classified as likely benign based on ACMG/AMP sequence variant interpretation guidelines (Richards et al. 2015 PMID: 25741868, with internal and published modifications).

NM_002303.6(LEPR):c.1518A>G (p.Leu506=)

Gene: LEPR (leptin receptor; plus strand). Cytogenetic location: 1p31.3.
Variant type: single nucleotide variant.
Coding change: c.1518A>G on transcript NM_002303.6 (MANE Select); coding-DNA position 1518, A replaced by G.
Protein change: p.Leu506=; no amino-acid change (leucine 506 retained).
Molecular consequence: synonymous variant.
Genome position (GRCh38, 1-based): chr1:65,605,152, A>G. VCF-style: chr1-65605152-A-G. GRCh37 (hg19) VCF-style: chr1-66070835-A-G.
Other names: c.1518A>G, p.Leu506= (NM_001003679.3, NM_001003680.3, NM_001198687.2 and 2 more transcripts).
Identifiers: ClinVar variation 2073111 (VCV002073111.6), dbSNP rs758519297, ClinGen allele CA894821.
Genomic context (GRCh38, chr1:65,605,152, plus strand): 5'-AGATTGCTATTTGCAGAGTGATGGTTTTTATGAATGCATTTTCCAGCCAATCTTCCTATT[A>G]TCTGGCTACACAATGTGGATTAGGATCAATCACTCTCTAGGTTCACTTGACTCTCCACCA-3'
Protein context (NP_002294.2, residues 496-516): YECIFQPIFL[Leu506=]SGYTMWIRIN